The following is an entry in ClinVar:

ClinVar aggregate classification (germline): Uncertain significance (1 of 4 stars; one submission).

Conditions:
Early-infantile DEE. Also called: Early infantile epileptic encephalopathy; Ohtahara syndrome; Early infantile epileptic encephalopathy with suppression bursts. Identifiers: Orphanet 1934, MedGen C0393706, MONDO:0800491.

Allele frequency attached by ClinVar (database versions not stated): TOPMed 0.00001.
gnomAD v4.1: 8 of 1,614,048 alleles (0.0005%); highest among the groups gnomAD compares: Non-Finnish European, 0.00068%; no homozygotes.

Submission:

Labcorp Genetics (formerly Invitae), Labcorp
Classification: Uncertain significance for Early-infantile DEE. Last evaluated: 2020-11-04. Review status: criteria provided, single submitter. Criteria: Invitae Variant Classification Sherloc (09022015). Collection method: clinical testing. Allele origin: germline.
Comment: This variant has not been reported in the literature in individuals with a ST3GAL3-related disease. This sequence change replaces arginine with glycine at codon 115 of the ST3GAL3 protein (p.Arg115Gly). The arginine residue is moderately conserved and there is a moderate physicochemical difference between arginine and glycine. This variant is not present in population databases (ExAC no frequency). Algorithms developed to predict the effect of missense changes on protein structure and function do not agree on the potential impact of this missense change (SIFT: "Deleterious"; PolyPhen-2: "Benign"; Align-GVGD: "Class C0"). In summary, this variant has uncertain impact on ST3GAL3 function. The available evidence is currently insufficient to determine its role in disease. Therefore, it has been classified as a Variant of Uncertain Significance.

NM_006279.5(ST3GAL3):c.343C>G (p.Arg115Gly)

Gene: ST3GAL3 (ST3 beta-galactoside alpha-2,3-sialyltransferase 3; plus strand). Cytogenetic location: 1p34.1.
Variant type: single nucleotide variant.
Coding change: c.343C>G on transcript NM_006279.5 (MANE Select); coding-DNA position 343, C replaced by G.
Protein change: p.Arg115Gly; replaces arginine 115 with glycine.
Molecular consequence: missense variant. On other transcripts: non-coding transcript variant (8), intron variant (1).
Genome position (GRCh38, 1-based): chr1:43,894,423, C>G. VCF-style: chr1-43894423-C-G. GRCh37 (hg19) VCF-style: chr1-44360095-C-G.
Other names: c.343C>G, p.Arg115Gly (NM_001270459.2, NM_001350620.2, NM_174966.4 and 1 more transcripts); c.250C>G, p.Arg84Gly (NM_001270460.2); c.295C>G, p.Arg99Gly (NM_001270461.3, NM_001270464.3, NM_174969.4 and 1 more transcripts); c.202C>G, p.Arg68Gly (NM_001270462.3); c.340C>G, p.Arg114Gly (NM_001270463.3, NM_001270465.3); c.388C>G, p.Arg130Gly (NM_001350619.2, NM_174964.4, NM_174965.4); c.64C>G, p.Arg22Gly (NM_001350621.2); c.505C>G, p.Arg169Gly (NM_001363573.2, NM_174968.5); and 3 more; short protein forms R184G, R115G, R68G, R114G, R130G, R169G, R22G, R99G.
Identifiers: ClinVar variation 461328 (VCV000461328.9), dbSNP rs948699026, ClinGen allele CA340269639.